The following is an entry in ClinVar:

NM_007078.3(LDB3):c.465C>T (p.Leu155=)

Gene: LDB3 (LIM domain binding 3; plus strand). Cytogenetic location: 10q23.2.
Variant type: single nucleotide variant.
Coding change: c.465C>T on transcript NM_007078.3 (MANE Select); coding-DNA position 465, C replaced by T.
Protein change: p.Leu155=; no amino-acid change (leucine 155 retained).
Molecular consequence: synonymous variant. On other transcripts: intron variant (5).
Genome position (GRCh38, 1-based): chr10:86,681,579, C>T. VCF-style: chr10-86681579-C-T. GRCh37 (hg19) VCF-style: chr10-88441336-C-T.
Other names: p.L155L:CTC>CTT; c.465C>T, p.Leu155= (NM_001080115.2, NM_001171610.2, NM_001171611.2 and 3 more transcripts); c.321+1422C>T (NM_001368068.1, NM_001368066.1, NM_001080114.2 and 2 more transcripts); c.465C>T (NM_001171610.1).
Identifiers: ClinVar variation 138100 (VCV000138100.58), dbSNP rs45516997, ClinGen allele CA295480.

ClinVar aggregate classification (germline): Benign/Likely benign. Review status: criteria provided, multiple submitters, no conflicts (2 of 4 stars). 17 submissions from 17 submitters: Benign (6); Likely benign (4). 7 of the submissions do not count toward it. Last evaluated 2026-01-26.

Conditions:
LDB3-related disorder. Also called: LDB3-related condition.
Cardiovascular phenotype. Identifiers: MedGen CN230736.
Cardiomyopathy (CMYO). Also called: Cardiomyopathies. Identifiers: Orphanet 167848, MedGen C0878544, MONDO:0004994, HP:0001638. Inheritance: Various modes of inheritance.
Myofibrillar myopathy 4. Also called: Zaspopathy (type). Identifiers: Orphanet 98912, MedGen C4721886, MONDO:0012277, OMIM 609452.

Allele frequency attached by ClinVar (database versions not stated): 1000 Genomes Project 30x 0.00016; 1000 Genomes Project 0.00020; TOPMed 0.00143; ESP Exome Variant Server 0.00177.
gnomAD v4.1: 2,736 of 1,613,024 alleles (0.17%); highest among the groups gnomAD compares: Non-Finnish European, 0.19%; 2 homozygotes.

Submissions (17):

Labcorp Genetics (formerly Invitae), Labcorp
Classification: Benign for Myofibrillar myopathy 4. Last evaluated: 2026-01-26. Review status: criteria provided, single submitter. Criteria: Invitae Variant Classification Sherloc (09022015). Collection method: clinical testing. Allele origin: germline.

CeGaT Center for Human Genetics Tuebingen
Classification: Likely benign. Last evaluated: 2025-03-01. Review status: criteria provided, single submitter. Criteria: CeGaT Center For Human Genetics Tuebingen Variant Classification Criteria Version 2. Collection method: clinical testing. Allele origin: germline. Affected: yes. Observed: 3 variant alleles.
Comment: LDB3: BP4, BP7

Blueprint Genetics
Classification: Likely benign. Last evaluated: 2024-11-25. Review status: criteria provided, single submitter. Criteria: ACMG Guidelines, 2015. Collection method: clinical testing. Allele origin: germline.

ARUP Laboratories, Molecular Genetics and Genomics, ARUP Laboratories
Classification: Benign. Last evaluated: 2023-11-15. Review status: criteria provided, single submitter. Criteria: ARUP Molecular Germline Variant Investigation Process 2024. Collection method: clinical testing. Allele origin: germline.

Women's Health and Genetics/Laboratory Corporation of America, LabCorp
Classification: Benign. Last evaluated: 2022-02-12. Review status: criteria provided, single submitter. Criteria: LabCorp Variant Classification Summary - May 2015. Collection method: clinical testing. Allele origin: germline.

Athena Diagnostics
Classification: Benign. Last evaluated: 2020-01-24. Review status: criteria provided, single submitter. Criteria: Athena Diagnostics Criteria. Collection method: clinical testing. Allele origin: unknown.

Ambry Genetics
Classification: Likely benign for Cardiovascular phenotype. Last evaluated: 2016-04-28. Review status: criteria provided, single submitter. Criteria: Ambry Variant Classification Scheme 2023. Collection method: clinical testing. Allele origin: germline.

CHEO Genetics Diagnostic Laboratory, Children's Hospital of Eastern Ontario
Classification: Likely benign for Cardiomyopathy. Last evaluated: 2016-01-25. Review status: criteria provided, single submitter. Criteria: ACMG Guidelines, 2015. Collection method: clinical testing. Allele origin: germline. Study: Canadian Open Genetics Repository.

Laboratory for Molecular Medicine, Mass General Brigham Personalized Medicine
Classification: Benign. Last evaluated: 2014-12-23. Review status: criteria provided, single submitter. Criteria: LMM Criteria. Collection method: clinical testing. Allele origin: germline. Observed: 7 variant alleles.
Comment: p.Leu155Leu in exon 4 of LDB3: This variant is not expected to have clinical sig nificance because it does not alter an amino acid residue, is not located within the splice consensus sequence, and has been identified in 0.4% (255/64044) of E uropean chromosomes by the Exome Aggregation Consortium (ExAC; dbSNP rs45516997).

GeneDx
Classification: Benign. Last evaluated: 2014-03-27. Review status: criteria provided, single submitter. Criteria: GeneDx Variant Classification (06012015). Collection method: clinical testing. Allele origin: germline. Affected: yes.
Comment: This variant is considered likely benign or benign based on one or more of the following criteria: it is a conservative change, it occurs at a poorly conserved position in the protein, it is predicted to be benign by multiple in silico algorithms, and/or has population frequency not consistent with disease.

PreventionGenetics, part of Exact Sciences
Classification: Likely benign for LDB3-related condition. Last evaluated: 2019-11-18. Review status: no assertion criteria provided. Collection method: clinical testing. Allele origin: germline. Not counted in ClinVar's aggregate classification.
Comment: This variant is classified as likely benign based on ACMG/AMP sequence variant interpretation guidelines (Richards et al. 2015 PMID: 25741868, with internal and published modifications).

Clinical Genetics DNA and cytogenetics Diagnostics Lab, Erasmus MC, Erasmus Medical Center
Classification: Likely benign. Review status: no assertion criteria provided. Collection method: clinical testing. Allele origin: germline. Affected: yes. Study: VKGL Data-share Consensus. Not counted in ClinVar's aggregate classification.

Clinical Genetics, Academic Medical Center
Classification: Benign. Review status: no assertion criteria provided. Collection method: clinical testing. Allele origin: germline. Affected: yes. Study: VKGL Data-share Consensus. Not counted in ClinVar's aggregate classification.

Diagnostic Laboratory, Department of Genetics, University Medical Center Groningen
Classification: Likely benign. Review status: no assertion criteria provided. Collection method: clinical testing. Allele origin: germline. Affected: yes. Study: VKGL Data-share Consensus. Not counted in ClinVar's aggregate classification.

Genome Diagnostics Laboratory, University Medical Center Utrecht
Classification: Likely benign. Review status: no assertion criteria provided. Collection method: clinical testing. Allele origin: germline. Affected: yes. Study: VKGL Data-share Consensus. Not counted in ClinVar's aggregate classification.

Joint Genome Diagnostic Labs from Nijmegen and Maastricht, Radboudumc and MUMC+
Classification: Benign. Review status: no assertion criteria provided. Collection method: clinical testing. Allele origin: germline. Affected: yes. Study: VKGL Data-share Consensus. Not counted in ClinVar's aggregate classification.

Laboratory of Diagnostic Genome Analysis, Leiden University Medical Center (LUMC)
Classification: Likely benign. Review status: no assertion criteria provided. Collection method: clinical testing. Allele origin: germline. Affected: yes. Study: VKGL Data-share Consensus. Not counted in ClinVar's aggregate classification.